The following is an entry in ClinVar:

NM_003907.3(EIF2B5):c.1832C>G (p.Pro611Arg)

Gene: EIF2B5 (eukaryotic translation initiation factor 2B subunit epsilon; plus strand). Cytogenetic location: 3q27.1.
Variant type: single nucleotide variant.
Coding change: c.1832C>G on transcript NM_003907.3 (MANE Select); coding-DNA position 1832, C replaced by G.
Protein change: p.Pro611Arg; replaces proline 611 with arginine.
Molecular consequence: missense variant.
Genome position (GRCh38, 1-based): chr3:184,143,528, C>G. VCF-style: chr3-184143528-C-G. GRCh37 (hg19) VCF-style: chr3-183861316-C-G.
Other names: c.1832C>G (NM_003907.2); short protein forms P611R.
Identifiers: ClinVar variation 2156988 (VCV002156988.2), dbSNP rs374710986, ClinGen allele CA2726820.
Genomic context (GRCh38, chr3:184,143,528, plus strand): 5'-AGGTGATGCAGGTACTGAGCCACGTGGTCCTGGAGTTCCCCCTGCAACAGATGGATTCCC[C>G]GCTTGACTCAAGCCGCTACTGTGCCCTGCTGCTTCCTGTGAGCAAAGATTGGAGCTGAGT-3'
Protein context (NP_003898.2, residues 601-621): LEFPLQQMDS[Pro611Arg]LDSSRYCALL

ClinVar aggregate classification (germline): Uncertain significance. Review status: criteria provided, multiple submitters, no conflicts (2 of 4 stars). 2 submissions from 2 submitters: Uncertain significance (2). Last evaluated 2023-12-09.

Conditions:
Inborn genetic diseases. Identifiers: MedGen C0950123, MeSH D030342.

Submissions (2):

Ambry Genetics
Classification: Uncertain significance for Inborn genetic diseases. Last evaluated: 2023-12-09. Review status: criteria provided, single submitter. Criteria: Ambry Variant Classification Scheme 2023. Collection method: clinical testing. Allele origin: germline.

Labcorp Genetics (formerly Invitae), Labcorp
Classification: Uncertain significance. Last evaluated: 2021-09-09. Review status: criteria provided, single submitter. Criteria: Invitae Variant Classification Sherloc (09022015). Collection method: clinical testing. Allele origin: germline.
Comment: This sequence change replaces proline with arginine at codon 611 of the EIF2B5 protein (p.Pro611Arg). The proline residue is weakly conserved and there is a moderate physicochemical difference between proline and arginine. This variant is present in population databases (rs374710986, ExAC 0.006%). This variant has not been reported in the literature in individuals affected with EIF2B5-related conditions. Algorithms developed to predict the effect of missense changes on protein structure and function (SIFT, PolyPhen-2, Align-GVGD) all suggest that this variant is likely to be tolerated. In summary, the available evidence is currently insufficient to determine the role of this variant in disease. Therefore, it has been classified as a Variant of Uncertain Significance.